The following is an entry in ClinVar:

ClinVar aggregate classification (germline): Uncertain significance (1 of 4 stars; one submission).

Allele frequency attached by ClinVar (database versions not stated): ExAC 0.00001; gnomAD 0.00001; TOPMed 0.00002.
gnomAD v4.1: 1 of 1,613,818 alleles (0.000062%); highest among the groups gnomAD compares: African/African-American, 0.0013%; no homozygotes.

Submission:

Labcorp Genetics (formerly Invitae), Labcorp
Classification: Uncertain significance. Last evaluated: 2024-04-22. Review status: criteria provided, single submitter. Criteria: Invitae Variant Classification Sherloc (09022015). Collection method: clinical testing. Allele origin: germline.
Comment: This sequence change replaces valine, which is neutral and non-polar, with aspartic acid, which is acidic and polar, at codon 155 of the FAT2 protein (p.Val155Asp). This variant is present in population databases (rs751227536, gnomAD 0.007%). This variant has not been reported in the literature in individuals affected with FAT2-related conditions. An algorithm developed to predict the effect of missense changes on protein structure and function (PolyPhen-2) suggests that this variant is likely to be disruptive. In summary, the available evidence is currently insufficient to determine the role of this variant in disease. Therefore, it has been classified as a Variant of Uncertain Significance.

NM_001447.3(FAT2):c.464T>A (p.Val155Asp)

Gene: FAT2 (FAT atypical cadherin 2; minus strand). Cytogenetic location: 5q33.1.
Variant type: single nucleotide variant.
Coding change: c.464T>A on transcript NM_001447.3 (MANE Select); coding-DNA position 464, T replaced by A.
Protein change: p.Val155Asp; replaces valine 155 with aspartic acid.
Molecular consequence: missense variant.
Genome position (GRCh38, 1-based): chr5:151,568,468, A>T on the plus strand (T>A on the coding strand, the complement: FAT2 is on the minus strand). VCF-style: chr5-151568468-A-T. GRCh37 (hg19) VCF-style: chr5-150948029-A-T.
Other names: short protein forms V155D.
Identifiers: ClinVar variation 2715112 (VCV002715112.3), dbSNP rs751227536, ClinGen allele CA3522434.
Genomic context (GRCh38, chr5:151,568,468, plus strand): 5'-GCATCTGTGGCAGTCACCTTGCAGATGGGGCTCTTCAGGGGCATGTCCTCAGAGATGGTG[A>T]CTCTGTACGAAGGTGGAGAGAAGAGAGGCTTCAGGTCATTCTGGTCCAGGATGTGGACCA-3'
Protein context (NP_001438.1, residues 145-165): KPLFSPPSYR[Val155Asp]TISEDMPLKS